The following is an entry in ClinVar:

ClinVar aggregate classification (germline): Likely benign. Review status: criteria provided, multiple submitters, no conflicts (2 of 4 stars). 5 submissions from 5 submitters: Likely benign (4). 1 of the submissions does not count toward it. Last evaluated 2026-02-04.

Conditions:
Severe combined immunodeficiency due to DNA-PKcs deficiency. Also called: IMMUNODEFICIENCY 26 WITH NEUROLOGIC ABNORMALITIES; Immunodeficiency 26 with or without neurologic abnormalities. Identifiers: Orphanet 317425, MedGen C4014833, MONDO:0014423, OMIM 615966.
PRKDC-related disorder. Also called: PRKDC-related condition.

Allele frequency attached by ClinVar (database versions not stated): 1000 Genomes Project 0.00020; ESP Exome Variant Server 0.00058; gnomAD 0.00059; 1000 Genomes Project 30x 0.00062; gnomAD exomes 0.00070 and 0.00091; TOPMed 0.00079; ExAC 0.00099.
gnomAD v4.1: 1,180 of 1,611,470 alleles (0.073%); highest among the groups gnomAD compares: Middle Eastern, 2.7%; 6 homozygotes.

Submissions (5):

Labcorp Genetics (formerly Invitae), Labcorp
Classification: Likely benign for Severe combined immunodeficiency due to DNA-PKcs deficiency. Last evaluated: 2026-02-04. Review status: criteria provided, single submitter. Criteria: Invitae Variant Classification Sherloc (09022015). Collection method: clinical testing. Allele origin: germline.

CeGaT Center for Human Genetics Tuebingen
Classification: Likely benign. Last evaluated: 2025-09-01. Review status: criteria provided, single submitter. Criteria: CeGaT Center For Human Genetics Tuebingen Variant Classification Criteria Version 2. Collection method: clinical testing. Allele origin: germline. Affected: yes. Observed: 3 variant alleles.
Comment: PRKDC: BP4

Blueprint Genetics
Classification: Likely benign. Last evaluated: 2024-11-27. Review status: criteria provided, single submitter. Criteria: ACMG Guidelines, 2015. Collection method: clinical testing. Allele origin: germline.

GeneDx
Classification: Likely benign. Last evaluated: 2019-03-08. Review status: criteria provided, single submitter. Criteria: GeneDx Variant Classification Process June 2021. Collection method: clinical testing. Allele origin: germline. Affected: yes.

PreventionGenetics, part of Exact Sciences
Classification: Benign for PRKDC-related condition. Last evaluated: 2022-11-09. Review status: no assertion criteria provided. Collection method: clinical testing. Allele origin: germline. Not counted in ClinVar's aggregate classification.
Comment: This variant is classified as benign based on ACMG/AMP sequence variant interpretation guidelines (Richards et al. 2015 PMID: 25741868, with internal and published modifications).

NM_006904.7(PRKDC):c.3709G>A (p.Ala1237Thr)

Gene: PRKDC (protein kinase, DNA-activated, catalytic subunit; minus strand). Cytogenetic location: 8q11.21.
Variant type: single nucleotide variant.
Coding change: c.3709G>A on transcript NM_006904.7 (MANE Select); coding-DNA position 3709, G replaced by A.
Protein change: p.Ala1237Thr; replaces alanine 1237 with threonine.
Molecular consequence: missense variant.
Genome position (GRCh38, 1-based): chr8:47,893,277, C>T on the plus strand (G>A on the coding strand, the complement: PRKDC is on the minus strand). VCF-style: chr8-47893277-C-T. GRCh37 (hg19) VCF-style: chr8-48805837-C-T.
Other names: c.3709G>A, p.Ala1237Thr (NM_001081640.2); short protein forms A1237T.
Identifiers: ClinVar variation 379416 (VCV000379416.41), dbSNP rs191531119, ClinGen allele CA4741110.
Genomic context (GRCh38, chr8:47,893,277, plus strand): 5'-GCCAGCATAGCGTGGCCTGCAGGCTGAATGGCCCCCGAAGGTACAAGAGGGTGGGCTGGG[C>T]CAGGATGCCCGAGGGCTGGCCACAGCCACCCCCCTCAAAGGTGTTGATGAGAAAAGAGAC-3'
Protein context (NP_008835.5, residues 1227-1247): GGCGQPSGIL[Ala1237Thr]QPTLLYLRGP